The following is an entry in ClinVar:

NM_016341.4(PLCE1):c.745G>A (p.Glu249Lys)

Gene: PLCE1 (phospholipase C epsilon 1; plus strand). Cytogenetic location: 10q23.33.
Variant type: single nucleotide variant.
Coding change: c.745G>A on transcript NM_016341.4 (MANE Select); coding-DNA position 745, G replaced by A.
Protein change: p.Glu249Lys; replaces glutamic acid 249 with lysine.
Molecular consequence: missense variant.
Genome position (GRCh38, 1-based): chr10:94,031,791, G>A. VCF-style: chr10-94031791-G-A. GRCh37 (hg19) VCF-style: chr10-95791548-G-A.
Other names: c.745G>A (NM_016341.3); c.745G>A, p.Glu249Lys (NM_001288989.2); short protein forms E249K.
Identifiers: ClinVar variation 2869018 (VCV002869018.4), dbSNP rs1464034304, ClinGen allele CA377636778.

ClinVar aggregate classification (germline): Uncertain significance. Review status: criteria provided, multiple submitters, no conflicts (2 of 4 stars). 2 submissions from 2 submitters: Uncertain significance (2). Last evaluated 2024-04-01.

Conditions:
Inborn genetic diseases. Identifiers: MedGen C0950123, MeSH D030342.

Allele frequency attached by ClinVar (database versions not stated): gnomAD exomes 0.00001; TOPMed 0.00001; gnomAD 0.00002.
gnomAD v4.1: 12 of 1,613,636 alleles (0.00074%); highest among the groups gnomAD compares: Admixed American, 0.0067%; no homozygotes.

Submissions (2):

Ambry Genetics
Classification: Uncertain significance for Inborn genetic diseases. Last evaluated: 2024-04-01. Review status: criteria provided, single submitter. Criteria: Ambry Variant Classification Scheme 2023. Collection method: clinical testing. Allele origin: germline.

Labcorp Genetics (formerly Invitae), Labcorp
Classification: Uncertain significance. Last evaluated: 2023-08-10. Review status: criteria provided, single submitter. Criteria: Invitae Variant Classification Sherloc (09022015). Collection method: clinical testing. Allele origin: germline.
Comment: This sequence change replaces glutamic acid, which is acidic and polar, with lysine, which is basic and polar, at codon 249 of the PLCE1 protein (p.Glu249Lys). This variant is present in population databases (no rsID available, gnomAD 0.006%). This variant has not been reported in the literature in individuals affected with PLCE1-related conditions. Algorithms developed to predict the effect of missense changes on protein structure and function output the following: SIFT: "Not Available"; PolyPhen-2: "Benign"; Align-GVGD: "Not Available". The lysine amino acid residue is found in multiple mammalian species, which suggests that this missense change does not adversely affect protein function. In summary, the available evidence is currently insufficient to determine the role of this variant in disease. Therefore, it has been classified as a Variant of Uncertain Significance.